The following is an entry in ClinVar:

ClinVar aggregate classification (germline): Uncertain significance. Review status: criteria provided, multiple submitters, no conflicts (2 of 4 stars). 2 submissions from 2 submitters: Uncertain significance (2). Last evaluated 2025-06-17.

Allele frequency attached by ClinVar (database versions not stated): gnomAD 0.00001; gnomAD exomes 0.00001; TOPMed 0.00002.
gnomAD v4.1: 21 of 1,613,018 alleles (0.0013%); highest among the groups gnomAD compares: Middle Eastern, 0.082%; 1 homozygote.

Submissions (2):

Labcorp Genetics (formerly Invitae), Labcorp
Classification: Uncertain significance. Last evaluated: 2025-06-17. Review status: criteria provided, single submitter. Criteria: Invitae Variant Classification Sherloc (09022015). Collection method: clinical testing. Allele origin: germline.
Comment: This sequence change replaces glutamic acid, which is acidic and polar, with lysine, which is basic and polar, at codon 1038 of the DGKZ protein (p.Glu1038Lys). This variant is present in population databases (no rsID available, gnomAD 0.002%). This variant has not been reported in the literature in individuals affected with DGKZ-related conditions. ClinVar contains an entry for this variant (Variation ID: 2165001). An algorithm developed to predict the effect of missense changes on protein structure and function (PolyPhen-2) suggests that this variant is likely to be tolerated. In summary, the available evidence is currently insufficient to determine the role of this variant in disease. Therefore, it has been classified as a Variant of Uncertain Significance.

Breakthrough Genomics
Classification: Uncertain significance. Review status: criteria provided, single submitter. Criteria: ACMG Guidelines, 2015. Collection method: not provided. Allele origin: germline. Inheritance: Unknown mechanism. Affected: yes.

NM_001199267.2(DGKZ):c.2545G>A (p.Glu849Lys)

Gene: DGKZ (diacylglycerol kinase zeta; plus strand). Cytogenetic location: 11p11.2.
Variant type: single nucleotide variant.
Coding change: c.2545G>A on transcript NM_001199267.2 (MANE Select); coding-DNA position 2545, G replaced by A.
Protein change: p.Glu849Lys; replaces glutamic acid 849 with lysine.
Molecular consequence: missense variant.
Genome position (GRCh38, 1-based): chr11:46,379,211, G>A. VCF-style: chr11-46379211-G-A. GRCh37 (hg19) VCF-style: chr11-46400761-G-A.
Other names: c.3112G>A, p.Glu1038Lys (NM_001105540.2); c.2548G>A, p.Glu850Lys (NM_001199266.2, NM_003646.4); c.2479G>A, p.Glu827Lys (NM_001199268.2); c.2596G>A, p.Glu866Lys (NM_201532.3); c.2560G>A, p.Glu854Lys (NM_201533.3); short protein forms E1038K, E849K, E827K, E850K, E866K, E854K.
Identifiers: ClinVar variation 2165001 (VCV002165001.5), dbSNP rs1376757062, ClinGen allele CA380227867.
Genomic context (GRCh38, chr11:46,379,211, plus strand): 5'-GGGAGGAGGAGGGGCTGCCAGGCCTCTCTGACCACCACCTCCCCTTCTCCAGCCCCCCCA[G>A]AGATCCTTGATGCGGTGGAGGAAAAGTAAGTATCTGGGCAGTGCAGAACCGTGGTCACCC-3'
Protein context (NP_001186196.1, residues 839-859): VRYLLDHAPP[Glu849Lys]ILDAVEENGE